The following is an entry in ClinVar:

NM_001605.3(AARS1):c.1348-9T>C

Gene: AARS1 (alanyl-tRNA synthetase 1; minus strand). Cytogenetic location: 16q22.1.
Variant type: single nucleotide variant.
Coding change: c.1348-9T>C on transcript NM_001605.3 (MANE Select); 9 bases into the intron before coding-DNA position 1348, T replaced by C.
Molecular consequence: intron variant.
Genome position (GRCh38, 1-based): chr16:70,265,111, A>G on the plus strand (T>C on the coding strand, the complement: AARS1 is on the minus strand). VCF-style: chr16-70265111-A-G. GRCh37 (hg19) VCF-style: chr16-70299014-A-G.
Identifiers: ClinVar variation 1135643 (VCV001135643.10), dbSNP rs201538906, ClinGen allele CA8140833.

ClinVar aggregate classification (germline): Likely benign. Review status: criteria provided, multiple submitters, no conflicts (2 of 4 stars). 2 submissions from 2 submitters: Likely benign (2). Last evaluated 2025-10-23.

Conditions:
Charcot-Marie-Tooth disease type 2. Also called: Charcot-Marie-Tooth type 2. Identifiers: Orphanet 64746, MedGen C0270914, MONDO:0018993.

Allele frequency attached by ClinVar (database versions not stated): gnomAD 0.00001; TOPMed 0.00002; gnomAD exomes 0.00005 and 0.00003; 1000 Genomes Project 30x 0.00016; 1000 Genomes Project 0.00020; ExAC 0.00002.

Submissions (2):

Labcorp Genetics (formerly Invitae), Labcorp
Classification: Likely benign for Charcot-Marie-Tooth disease type 2. Last evaluated: 2025-10-23. Review status: criteria provided, single submitter. Criteria: Invitae Variant Classification Sherloc (09022015). Collection method: clinical testing. Allele origin: germline.

Women's Health and Genetics/Laboratory Corporation of America, LabCorp
Classification: Likely benign. Last evaluated: 2024-11-29. Review status: criteria provided, single submitter. Criteria: LabCorp Variant Classification Summary - May 2015. Collection method: clinical testing. Allele origin: germline.
Comment: Variant summary: AARS1 c.1348-9T>C alters a non-conserved nucleotide located at a position not widely known to affect splicing. Consensus agreement among computation tools predict no significant impact on normal splicing. However, these predictions have yet to be confirmed by functional studies. The variant allele was found at a frequency of 4.7e-05 in 1614072 control chromosomes. This frequency is not significantly higher than estimated for a pathogenic variant in AARS1 causing Developmental and epileptic encephalopathy allowing no conclusion about variant significance. To our knowledge, no occurrence of c.1348-9T>C in individuals affected with Developmental and epileptic encephalopathy or other AARS1-related disorders and no experimental evidence demonstrating its impact on protein function have been reported. ClinVar contains an entry for this variant (Variation ID: 1135643). Based on the evidence outlined above, the variant was classified as likely benign.